The following is an entry in ClinVar:

ClinVar aggregate classification (germline): Conflicting classifications of pathogenicity. Review status: criteria provided, conflicting classifications (1 of 4 stars). 4 submissions from 4 submitters: Uncertain significance (1); Likely benign (3). Last evaluated 2025-08-13.

Conditions:
Cardiomyopathy (CMYO). Also called: Cardiomyopathies. Identifiers: Orphanet 167848, MedGen C0878544, MONDO:0004994, HP:0001638. Inheritance: Various modes of inheritance.
Arrhythmogenic right ventricular dysplasia 10. Also called: Arrhythmogenic Right Ventricular Dysplasia/Cardiomyopathy10; ARRHYTHMOGENIC RIGHT VENTRICULAR DYSPLASIA, FAMILIAL, 10; Arrhythmogenic right ventricular dysplasia/cardiomyopathy, type 10. Identifiers: MedGen C1857777, MONDO:0012434, OMIM 610193.
Cardiovascular phenotype. Identifiers: MedGen CN230736.
Arrhythmogenic right ventricular cardiomyopathy (ARVD). Also called: Cardiomyopathy, ARVC; Arrhythmogenic right ventricular dysplasia; Arrhythmogenic cardiomyopathy; Arrhythmogenic Right Ventricular Cardiomyopathy (ARVC). Identifiers: Orphanet 247, MedGen C0349788, MeSH D019571, MONDO:0016587. Disease mechanism: loss of function. Inheritance: Various modes of inheritance.

Allele frequency attached by ClinVar (database versions not stated): gnomAD 0.00001; gnomAD exomes 0.00002 and 0.00005; ExAC 0.00008; 1000 Genomes Project 30x 0.00016; 1000 Genomes Project 0.00020.
gnomAD v4.1: 33 of 1,614,178 alleles (0.002%); highest among the groups gnomAD compares: South Asian, 0.034%; no homozygotes.

Submissions (4):

Labcorp Genetics (formerly Invitae), Labcorp
Classification: Uncertain significance for Arrhythmogenic right ventricular dysplasia 10. Last evaluated: 2025-08-13. Review status: criteria provided, single submitter. Criteria: Invitae Variant Classification Sherloc (09022015). Collection method: clinical testing. Allele origin: germline.
Comment: This sequence change replaces alanine, which is neutral and non-polar, with valine, which is neutral and non-polar, at codon 866 of the DSG2 protein (p.Ala866Val). This variant is present in population databases (rs553730922, gnomAD 0.04%). This variant has not been reported in the literature in individuals affected with DSG2-related conditions. ClinVar contains an entry for this variant (Variation ID: 1016428). Invitae Evidence Modeling of protein sequence and biophysical properties (such as structural, functional, and spatial information, amino acid conservation, physicochemical variation, residue mobility, and thermodynamic stability) indicates that this missense variant is not expected to disrupt DSG2 protein function with a negative predictive value of 95%. In summary, the available evidence is currently insufficient to determine the role of this variant in disease. Therefore, it has been classified as a Variant of Uncertain Significance.

Ambry Genetics
Classification: Likely benign for Cardiovascular phenotype. Last evaluated: 2024-09-30. Review status: criteria provided, single submitter. Criteria: Ambry Variant Classification Scheme 2023. Collection method: clinical testing. Allele origin: germline.

All of Us Research Program, National Institutes of Health
Classification: Likely benign for Arrhythmogenic right ventricular cardiomyopathy. Last evaluated: 2024-08-23. Review status: criteria provided, single submitter. Criteria: ACMG Guidelines, 2015. Collection method: clinical testing. Allele origin: germline. Inheritance: Autosomal dominant inheritance. Observed: 1 variant allele, 1 heterozygote.
Comment: This study involves interpretation of variants in research participants for the purpose of population health screening. Participant phenotype was not available at the time of variant classification. Additional details can be found in publication PMID: 35346344, PMCID: PMC8962531

Color Diagnostics, LLC DBA Color Health
Classification: Likely benign for Cardiomyopathy. Last evaluated: 2021-02-12. Review status: criteria provided, single submitter. Criteria: ACMG Guidelines, 2015. Collection method: clinical testing. Allele origin: germline.

NM_001943.5(DSG2):c.2597C>T (p.Ala866Val)

Genes: DSG2 (desmoglein 2; plus strand), DSG2-AS1 (DSG2 antisense RNA 1; minus strand). Cytogenetic location: 18q12.1.
Variant type: single nucleotide variant.
Coding change: c.2597C>T on transcript NM_001943.5 (MANE Select); coding-DNA position 2597, C replaced by T.
Protein change: p.Ala866Val; replaces alanine 866 with valine.
Molecular consequence: missense variant.
Genome position (GRCh38, 1-based): chr18:31,545,983, C>T. VCF-style: chr18-31545983-C-T. GRCh37 (hg19) VCF-style: chr18-29125946-C-T.
Other names: c.2597C>T (NM_001943.3); short protein forms A866V.
Identifiers: ClinVar variation 1016428 (VCV001016428.13), dbSNP rs553730922, ClinGen allele CA046579.